The following is an entry in ClinVar:

ClinVar aggregate classification (germline): Uncertain significance (1 of 4 stars; one submission).

Conditions:
Hereditary pancreatitis (PCTT). Also called: PRSS1-Related Hereditary Pancreatitis; Hereditary chronic pancreatitis. Identifiers: Orphanet 676, MedGen C0238339, MONDO:0008185, OMIM 167800.

Submission:

Ambry Genetics
Classification: Uncertain significance for Hereditary pancreatitis. Last evaluated: 2025-01-11. Review status: criteria provided, single submitter. Criteria: Ambry Variant Classification Scheme 2023. Collection method: clinical testing. Allele origin: germline.
Comment: The p.F87L variant (also known as c.261C>G), located in coding exon 3 of the PRSS1 gene, results from a C to G substitution at nucleotide position 261. The phenylalanine at codon 87 is replaced by leucine, an amino acid with highly similar properties. This amino acid position is conserved. In addition, the in silico prediction for this alteration is inconclusive. Based on the available evidence, the clinical significance of this variant remains unclear.

NM_002769.5(PRSS1):c.261C>G (p.Phe87Leu)

Genes: TRB (T cell receptor beta locus; plus strand), PRSS1 (serine protease 1; plus strand). Cytogenetic location: 7q34.
Variant type: single nucleotide variant.
Coding change: c.261C>G on transcript NM_002769.5 (MANE Select); coding-DNA position 261, C replaced by G.
Protein change: p.Phe87Leu; replaces phenylalanine 87 with leucine.
Molecular consequence: missense variant. On other transcripts: non-coding transcript variant (4).
Genome position (GRCh38, 1-based): chr7:142,751,834, C>G. VCF-style: chr7-142751834-C-G. GRCh37 (hg19) VCF-style: chr7-142459685-C-G.
Other names: short protein forms F87L.
Identifiers: ClinVar variation 3783973 (VCV003783973.1).